The following is an entry in ClinVar:

NM_001376.5(DYNC1H1):c.13372+165A>G

Gene: DYNC1H1 (dynein cytoplasmic 1 heavy chain 1; plus strand). Cytogenetic location: 14q32.31.
Variant type: single nucleotide variant.
Coding change: c.13372+165A>G on transcript NM_001376.5 (MANE Select); 165 bases into the intron after coding-DNA position 13372, A replaced by G.
Molecular consequence: intron variant.
Genome position (GRCh38, 1-based): chr14:102,048,834, A>G. VCF-style: chr14-102048834-A-G. GRCh37 (hg19) VCF-style: chr14-102515171-A-G.
Identifiers: ClinVar variation 679362 (VCV000679362.1), dbSNP rs1004904, ClinGen allele CA14037213.
Genomic context (GRCh38, chr14:102,048,834, plus strand): 5'-CAGGAGCTTCCGAGAGCAGCTCTGTGCTCTTACCCTCAAGGTGGGCGGGGGGAGGGGAGG[A>G]GCTTAGAAATGCTGAAGAATTTGTTTTTCTTCTGTGCTGGTTCACTGAATGTTGACCAAA-3'

ClinVar aggregate classification (germline): Benign (1 of 4 stars; one submission).

Allele frequency attached by ClinVar (database versions not stated): gnomAD 0.36742; TOPMed 0.39796; 1000 Genomes Project 0.40655; 1000 Genomes Project 30x 0.41146.
gnomAD v4.1: 104,848 of 572,946 alleles (18%); highest among the groups gnomAD compares: African/African-American, 70%; 20,692 homozygotes.

Submission:

GeneDx
Classification: Benign. Last evaluated: 2018-06-18. Review status: criteria provided, single submitter. Criteria: GeneDx Variant Classification (06012015). Collection method: clinical testing. Allele origin: germline. Affected: yes.
Comment: This variant is considered likely benign or benign based on one or more of the following criteria: it is a conservative change, it occurs at a poorly conserved position in the protein, it is predicted to be benign by multiple in silico algorithms, and/or has population frequency not consistent with disease.